The following is an entry in ClinVar:

NM_015690.5(STK36):c.2516G>A (p.Arg839Gln)

Gene: STK36 (serine/threonine kinase 36; plus strand). Cytogenetic location: 2q35.
Variant type: single nucleotide variant.
Coding change: c.2516G>A on transcript NM_015690.5 (MANE Select); coding-DNA position 2516, G replaced by A.
Protein change: p.Arg839Gln; replaces arginine 839 with glutamine.
Molecular consequence: missense variant. On other transcripts: intron variant (1).
Genome position (GRCh38, 1-based): chr2:218,696,531, G>A. VCF-style: chr2-218696531-G-A. GRCh37 (hg19) VCF-style: chr2-219561254-G-A.
Other names: NC_000002.11:g.219561254G>A; c.2516G>A, p.Arg839Gln (NM_001369423.1); c.2512-59G>A (NM_001243313.2); short protein forms R839Q.
Identifiers: ClinVar variation 709361 (VCV000709361.32), dbSNP rs13023540, ClinGen allele CA2111167.

ClinVar aggregate classification (germline): Benign/Likely benign. Review status: criteria provided, multiple submitters, no conflicts (2 of 4 stars). 5 submissions from 5 submitters: Benign (2); Likely benign (2). 1 of the submissions does not count toward it. Last evaluated 2024-11-26.

Conditions:
STK36-related disorder. Also called: STK36-related condition.

Allele frequency attached by ClinVar (database versions not stated): ESP Exome Variant Server 0.00669; 1000 Genomes Project 30x 0.00453; TOPMed 0.00496; 1000 Genomes Project 0.00499; gnomAD 0.00621 and 0.00631.
gnomAD v4.1: 12,296 of 1,613,954 alleles (0.76%); highest among the groups gnomAD compares: Non-Finnish European, 0.85%; 74 homozygotes.

Submissions (23):

Blueprint Genetics
Classification: Likely benign. Last evaluated: 2024-11-26. Review status: criteria provided, single submitter. Criteria: ACMG Guidelines, 2015. Collection method: clinical testing. Allele origin: germline.

CeGaT Center for Human Genetics Tuebingen
Classification: Likely benign. Last evaluated: 2023-03-01. Review status: criteria provided, single submitter. Criteria: CeGaT Center For Human Genetics Tuebingen Variant Classification Criteria Version 2. Collection method: clinical testing. Allele origin: germline. Affected: yes. Observed: 1 variant allele.
Comment: STK36: BP4, BS2

Labcorp Genetics (formerly Invitae), Labcorp
Classification: Benign. Last evaluated: 2019-12-31. Review status: criteria provided, single submitter. Criteria: Invitae Variant Classification Sherloc (09022015). Collection method: clinical testing. Allele origin: germline.

Breakthrough Genomics
Classification: Benign. Review status: criteria provided, single submitter. Criteria: ACMG Guidelines, 2015. Collection method: not provided. Allele origin: germline. Inheritance: Autosomal recessive inheritance. Affected: yes.

PreventionGenetics, part of Exact Sciences
Classification: Benign for STK36-related condition. Last evaluated: 2019-03-28. Review status: no assertion criteria provided. Collection method: clinical testing. Allele origin: germline. Not counted in ClinVar's aggregate classification.
Comment: This variant is classified as benign based on ACMG/AMP sequence variant interpretation guidelines (Richards et al. 2015 PMID: 25741868, with internal and published modifications).

Dr. Peter K. Rogan Lab, Western University
No classification provided (evidence only). Condition: Clear cell carcinoma of kidney. Review status: no classification provided. Collection method: in vitro. Allele origin: not applicable. Functional consequence: skipped exon. Not counted in ClinVar's aggregate classification.

Dr. Peter K. Rogan Lab, Western University
No classification provided (evidence only). Condition: Clear cell carcinoma of kidney. Review status: no classification provided. Collection method: in vitro. Allele origin: not applicable. Functional consequence: skipped exon. Not counted in ClinVar's aggregate classification.

Dr. Peter K. Rogan Lab, Western University
No classification provided (evidence only). Condition: Clear cell carcinoma of kidney. Review status: no classification provided. Collection method: in vitro. Allele origin: not applicable. Functional consequence: skipped exon. Not counted in ClinVar's aggregate classification.

Dr. Peter K. Rogan Lab, Western University
No classification provided (evidence only). Condition: Lung cancer. Review status: no classification provided. Collection method: in vitro. Allele origin: not applicable. Functional consequence: retained intron. Not counted in ClinVar's aggregate classification.

Dr. Peter K. Rogan Lab, Western University
No classification provided (evidence only). Condition: Lung cancer. Review status: no classification provided. Collection method: in vitro. Allele origin: not applicable. Functional consequence: retained intron. Not counted in ClinVar's aggregate classification.

Dr. Peter K. Rogan Lab, Western University
No classification provided (evidence only). Condition: Acute myeloid leukemia. Review status: no classification provided. Collection method: in vitro. Allele origin: not applicable. Functional consequence: skipped exon. Not counted in ClinVar's aggregate classification.

Dr. Peter K. Rogan Lab, Western University
No classification provided (evidence only). Condition: Colon adenocarcinoma. Review status: no classification provided. Collection method: in vitro. Allele origin: not applicable. Functional consequence: retained intron. Not counted in ClinVar's aggregate classification.

Dr. Peter K. Rogan Lab, Western University
No classification provided (evidence only). Condition: Cervical cancer. Review status: no classification provided. Collection method: in vitro. Allele origin: not applicable. Functional consequence: retained intron. Not counted in ClinVar's aggregate classification.

Dr. Peter K. Rogan Lab, Western University
No classification provided (evidence only). Condition: Ovarian serous cystadenocarcinoma. Review status: no classification provided. Collection method: in vitro. Allele origin: not applicable. Functional consequence: retained intron. Not counted in ClinVar's aggregate classification.

Dr. Peter K. Rogan Lab, Western University
No classification provided (evidence only). Condition: Ovarian serous cystadenocarcinoma. Review status: no classification provided. Collection method: in vitro. Allele origin: not applicable. Functional consequence: retained intron. Not counted in ClinVar's aggregate classification.

Dr. Peter K. Rogan Lab, Western University
No classification provided (evidence only). Condition: Ovarian serous cystadenocarcinoma. Review status: no classification provided. Collection method: in vitro. Allele origin: not applicable. Functional consequence: retained intron. Not counted in ClinVar's aggregate classification.

Dr. Peter K. Rogan Lab, Western University
No classification provided (evidence only). Condition: Gastric cancer. Review status: no classification provided. Collection method: in vitro. Allele origin: not applicable. Functional consequence: retained intron. Not counted in ClinVar's aggregate classification.

Dr. Peter K. Rogan Lab, Western University
No classification provided (evidence only). Condition: Gastric cancer. Review status: no classification provided. Collection method: in vitro. Allele origin: not applicable. Functional consequence: retained intron. Not counted in ClinVar's aggregate classification.

Dr. Peter K. Rogan Lab, Western University
No classification provided (evidence only). Condition: Gastric cancer. Review status: no classification provided. Collection method: in vitro. Allele origin: not applicable. Functional consequence: retained intron. Not counted in ClinVar's aggregate classification.

Dr. Peter K. Rogan Lab, Western University
No classification provided (evidence only). Condition: Gastric cancer. Review status: no classification provided. Collection method: in vitro. Allele origin: not applicable. Functional consequence: retained intron. Not counted in ClinVar's aggregate classification.

Dr. Peter K. Rogan Lab, Western University
No classification provided (evidence only). Condition: Gastric cancer. Review status: no classification provided. Collection method: in vitro. Allele origin: not applicable. Functional consequence: retained intron. Not counted in ClinVar's aggregate classification.

Dr. Peter K. Rogan Lab, Western University
No classification provided (evidence only). Condition: Adrenocortical carcinoma, hereditary. Review status: no classification provided. Collection method: in vitro. Allele origin: not applicable. Functional consequence: retained intron. Not counted in ClinVar's aggregate classification.

Dr. Peter K. Rogan Lab, Western University
No classification provided (evidence only). Condition: Malignant tumor of esophagus. Review status: no classification provided. Collection method: in vitro. Allele origin: not applicable. Functional consequence: retained intron. Not counted in ClinVar's aggregate classification.